The following is an entry in ClinVar:

NM_001943.5(DSG2):c.2823C>T (p.Val941=)

Genes: DSG2 (desmoglein 2; plus strand), DSG2-AS1 (DSG2 antisense RNA 1; minus strand). Cytogenetic location: 18q12.1.
Variant type: single nucleotide variant.
Coding change: c.2823C>T on transcript NM_001943.5 (MANE Select); coding-DNA position 2823, C replaced by T.
Protein change: p.Val941=; no amino-acid change (valine 941 retained).
Molecular consequence: synonymous variant.
Genome position (GRCh38, 1-based): chr18:31,546,209, C>T. VCF-style: chr18-31546209-C-T. GRCh37 (hg19) VCF-style: chr18-29126172-C-T.
Identifiers: ClinVar variation 2775242 (VCV002775242.3), dbSNP rs2510922487, ClinGen allele CA503766316.

ClinVar aggregate classification (germline): Likely benign. Review status: criteria provided, multiple submitters, no conflicts (2 of 4 stars). 2 submissions from 2 submitters: Likely benign (2). Last evaluated 2023-08-08.

Conditions:
Arrhythmogenic right ventricular cardiomyopathy (ARVD). Also called: Arrhythmogenic right ventricular dysplasia; Cardiomyopathy, ARVC; Arrhythmogenic cardiomyopathy; Arrhythmogenic Right Ventricular Cardiomyopathy (ARVC). Identifiers: Orphanet 247, MedGen C0349788, MeSH D019571, MONDO:0016587. Disease mechanism: loss of function. Inheritance: Various modes of inheritance.
Cardiomyopathy (CMYO). Also called: Cardiomyopathies. Identifiers: Orphanet 167848, MedGen C0878544, MONDO:0004994, HP:0001638. Inheritance: Various modes of inheritance.

Allele frequency attached by ClinVar (database versions not stated): gnomAD exomes below 0.00001.
gnomAD v4.1: 1 of 1,612,998 alleles (0.000062%); highest among the groups gnomAD compares: Non-Finnish European, 0.000085%; no homozygotes.

Submissions (2):

All of Us Research Program, National Institutes of Health
Classification: Likely benign for Arrhythmogenic right ventricular cardiomyopathy. Last evaluated: 2023-08-08. Review status: criteria provided, single submitter. Criteria: ACMG Guidelines, 2015. Collection method: clinical testing. Allele origin: germline. Inheritance: Autosomal dominant inheritance. Observed: 1 variant allele, 1 heterozygote.
Comment: This study involves interpretation of variants in research participants for the purpose of population health screening. Participant phenotype was not available at the time of variant classification. Additional details can be found in publication PMID: 35346344, PMCID: PMC8962531

Color Diagnostics, LLC DBA Color Health
Classification: Likely benign for Cardiomyopathy. Last evaluated: 2022-08-29. Review status: criteria provided, single submitter. Criteria: ACMG Guidelines, 2015. Collection method: clinical testing. Allele origin: germline.